The following is an entry in ClinVar:

ClinVar aggregate classification (germline): Uncertain significance. Review status: criteria provided, multiple submitters, no conflicts (2 of 4 stars). 2 submissions from 2 submitters: Uncertain significance (2). Last evaluated 2025-06-22.

Conditions:
Inborn genetic diseases. Identifiers: MedGen C0950123, MeSH D030342.
Neuronopathy, distal hereditary motor, autosomal recessive 4. Also called: NEUROPATHY, DISTAL HEREDITARY MOTOR, AUTOSOMAL RECESSIVE 4; Autosomal recessive lower motor neuron disease with childhood onset. Identifiers: Orphanet 206580, MedGen C1970211, MONDO:0012608, OMIM 611067.
Charcot-Marie-Tooth disease recessive intermediate C. Also called: CHARCOT-MARIE-TOOTH NEUROPATHY, RECESSIVE INTERMEDIATE C. Identifiers: Orphanet 369867, MedGen C3809309, MONDO:0014154, OMIM 615376.

Submissions (2):

Ambry Genetics
Classification: Uncertain significance for Inborn genetic diseases. Last evaluated: 2025-06-22. Review status: criteria provided, single submitter. Criteria: Ambry Variant Classification Scheme 2023. Collection method: clinical testing. Allele origin: germline.

Labcorp Genetics (formerly Invitae), Labcorp
Classification: Uncertain significance for Neuronopathy, distal hereditary motor, autosomal recessive 4; Charcot-Marie-Tooth disease recessive intermediate C. Last evaluated: 2022-02-04. Review status: criteria provided, single submitter. Criteria: Invitae Variant Classification Sherloc (09022015). Collection method: clinical testing. Allele origin: germline.
Comment: This sequence change replaces lysine, which is basic and polar, with asparagine, which is neutral and polar, at codon 490 of the PLEKHG5 protein (p.Lys490Asn). This variant is not present in population databases (gnomAD no frequency). This variant has not been reported in the literature in individuals affected with PLEKHG5-related conditions. Algorithms developed to predict the effect of missense changes on protein structure and function are either unavailable or do not agree on the potential impact of this missense change (SIFT: "Deleterious"; PolyPhen-2: "Probably Damaging"; Align-GVGD: "Class C0"). In summary, the available evidence is currently insufficient to determine the role of this variant in disease. Therefore, it has been classified as a Variant of Uncertain Significance.

NM_020631.6(PLEKHG5):c.1470G>T (p.Lys490Asn)

Gene: PLEKHG5 (pleckstrin homology and RhoGEF domain containing G5; minus strand). Cytogenetic location: 1p36.31.
Variant type: single nucleotide variant.
Coding change: c.1470G>T on transcript NM_020631.6 (MANE Select); coding-DNA position 1470, G replaced by T.
Protein change: p.Lys490Asn; replaces lysine 490 with asparagine.
Molecular consequence: missense variant.
Genome position (GRCh38, 1-based): chr1:6,470,807, C>A on the plus strand (G>T on the coding strand, the complement: PLEKHG5 is on the minus strand). VCF-style: chr1-6470807-C-A. GRCh37 (hg19) VCF-style: chr1-6530867-C-A.
Other names: c.1581G>T, p.Lys527Asn (NM_001042663.3, NM_001265592.2); c.1470G>T, p.Lys490Asn (NM_001042664.2, NM_001042665.2, NM_001265594.3 and 1 more transcripts); c.1677G>T, p.Lys559Asn (NM_001265593.2); short protein forms K490N, K527N, K559N.
Identifiers: ClinVar variation 1406403 (VCV001406403.4), dbSNP rs2148582809, ClinGen allele CA338126708.